The following is an entry in ClinVar:

NM_017612.5(ZCCHC8):c.1609G>A (p.Val537Ile)

Gene: ZCCHC8 (zinc finger CCHC-type containing 8; minus strand). Cytogenetic location: 12q24.31.
Variant type: single nucleotide variant.
Coding change: c.1609G>A on transcript NM_017612.5 (MANE Select); coding-DNA position 1609, G replaced by A.
Protein change: p.Val537Ile; replaces valine 537 with isoleucine.
Molecular consequence: missense variant.
Genome position (GRCh38, 1-based): chr12:122,474,012, C>T on the plus strand (G>A on the coding strand, the complement: ZCCHC8 is on the minus strand). VCF-style: chr12-122474012-C-T. GRCh37 (hg19) VCF-style: chr12-122958559-C-T.
Other names: c.1609G>A (NM_017612.3); c.1378G>A, p.Val460Ile (NM_001350935.2); c.1312G>A, p.Val438Ile (NM_001350936.2); c.895G>A, p.Val299Ile (NM_001350937.2, NM_001350938.2); short protein forms V299I, V537I, V438I, V460I.
Identifiers: ClinVar variation 2966091 (VCV002966091.4), dbSNP rs762319713, ClinGen allele CA6846130.
Genomic context (GRCh38, chr12:122,474,012, plus strand): 5'-ATGAGGCAACGGAATTGCCAGTTAAAGGTGTGTCCACAGGAACGTCGGAGTCGCTGTTTA[C>T]GCTCTCGGCCTGCTCAAGAGCTGCCCAGATCCGCCTCTGCTGTTCTTCAAGTTCTTCTAG-3'
Protein context (NP_060082.2, residues 527-547): IWAALEQAES[Val537Ile]NSDSDVPVDT

ClinVar aggregate classification (germline): Uncertain significance. Review status: criteria provided, multiple submitters, no conflicts (2 of 4 stars). 2 submissions from 2 submitters: Uncertain significance (2). Last evaluated 2025-08-13.

Allele frequency attached by ClinVar (database versions not stated): ExAC 0.00001.
gnomAD v4.1: 19 of 1,555,380 alleles (0.0012%); highest among the groups gnomAD compares: Middle Eastern, 0.017%; no homozygotes.

Submissions (2):

Ambry Genetics
Classification: Uncertain significance. Last evaluated: 2025-08-13. Review status: criteria provided, single submitter. Criteria: Ambry Variant Classification Scheme 2023. Collection method: clinical testing. Allele origin: germline.

Labcorp Genetics (formerly Invitae), Labcorp
Classification: Uncertain significance. Last evaluated: 2023-07-31. Review status: criteria provided, single submitter. Criteria: Invitae Variant Classification Sherloc (09022015). Collection method: clinical testing. Allele origin: germline.
Comment: This sequence change replaces valine, which is neutral and non-polar, with isoleucine, which is neutral and non-polar, at codon 537 of the ZCCHC8 protein (p.Val537Ile). The frequency data for this variant in the population databases is considered unreliable, as metrics indicate poor data quality at this position in the gnomAD database. This variant has not been reported in the literature in individuals affected with ZCCHC8-related conditions. Advanced modeling of protein sequence and biophysical properties (such as structural, functional, and spatial information, amino acid conservation, physicochemical variation, residue mobility, and thermodynamic stability) performed at Invitae indicates that this missense variant is not expected to disrupt ZCCHC8 protein function. In summary, the available evidence is currently insufficient to determine the role of this variant in disease. Therefore, it has been classified as a Variant of Uncertain Significance.